The following is an entry in ClinVar:

ClinVar aggregate classification (germline): Uncertain significance (1 of 4 stars; one submission).

Conditions:
Hereditary diffuse gastric adenocarcinoma (HDGC). Also called: DIFFUSE GASTRIC AND LOBULAR BREAST CANCER SYNDROME. Identifiers: Orphanet 26106, MedGen C1708349, MONDO:0007648, OMIM 137215.

Allele frequency attached by ClinVar (database versions not stated): TOPMed below 0.00001.

Submission:

Labcorp Genetics (formerly Invitae), Labcorp
Classification: Uncertain significance for Hereditary diffuse gastric adenocarcinoma. Last evaluated: 2021-11-08. Review status: criteria provided, single submitter. Criteria: Invitae Variant Classification Sherloc (09022015). Collection method: clinical testing. Allele origin: germline.
Comment: In summary, the available evidence is currently insufficient to determine the role of this variant in disease. Therefore, it has been classified as a Variant of Uncertain Significance. This sequence change replaces aspartic acid, which is acidic and polar, with valine, which is neutral and non-polar, at codon 662 of the CDH1 protein (p.Asp662Val). This variant is not present in population databases (gnomAD no frequency). This variant has not been reported in the literature in individuals affected with CDH1-related conditions. Algorithms developed to predict the effect of missense changes on protein structure and function are either unavailable or do not agree on the potential impact of this missense change (SIFT: "Deleterious"; PolyPhen-2: "Benign"; Align-GVGD: "Class C15").

NM_004360.5(CDH1):c.1985A>T (p.Asp662Val)

Gene: CDH1 (cadherin 1; plus strand). Cytogenetic location: 16q22.1.
Variant type: single nucleotide variant.
Coding change: c.1985A>T on transcript NM_004360.5 (MANE Select); coding-DNA position 1985, A replaced by T.
Protein change: p.Asp662Val; replaces aspartic acid 662 with valine.
Molecular consequence: missense variant.
Genome position (GRCh38, 1-based): chr16:68,823,447, A>T. VCF-style: chr16-68823447-A-T. GRCh37 (hg19) VCF-style: chr16-68857350-A-T.
Other names: c.1802A>T, p.Asp601Val (NM_001317184.2); c.437A>T, p.Asp146Val (NM_001317185.2); c.20A>T, p.Asp7Val (NM_001317186.2); short protein forms D662V, D146V, D7V, D601V.
Identifiers: ClinVar variation 1443287 (VCV001443287.6), dbSNP rs1961226929, ClinGen allele CA396467603.